The following is an entry in ClinVar:

ClinVar aggregate classification (germline): Uncertain significance. Review status: criteria provided, multiple submitters, no conflicts (2 of 4 stars). 2 submissions from 2 submitters: Uncertain significance (2). Last evaluated 2023-04-25.

Conditions:
Autosomal recessive limb-girdle muscular dystrophy type 2J (LGMDR10). Also called: Limb-girdle muscular dystrophy, type 2J; MUSCULAR DYSTROPHY, LIMB-GIRDLE, AUTOSOMAL RECESSIVE 10. Identifiers: Orphanet 140922, MedGen C1837342, MONDO:0012127, OMIM 608807.
Dilated cardiomyopathy 1G (CMD1G). Identifiers: Orphanet 154, MedGen C1858763, MONDO:0011400, OMIM 604145.

Allele frequency attached by ClinVar (database versions not stated): gnomAD exomes below 0.00001.
gnomAD v4.1: 1 of 1,614,044 alleles (0.000062%); highest among the groups gnomAD compares: African/African-American, 0.0013%; no homozygotes.

Submissions (2):

Labcorp Genetics (formerly Invitae), Labcorp
Classification: Uncertain significance for Dilated cardiomyopathy 1G; Autosomal recessive limb-girdle muscular dystrophy type 2J. Last evaluated: 2023-04-25. Review status: criteria provided, single submitter. Criteria: Invitae Variant Classification Sherloc (09022015). Collection method: clinical testing. Allele origin: germline.
Comment: This sequence change replaces threonine, which is neutral and polar, with isoleucine, which is neutral and non-polar, at codon 2896 of the TTN protein (p.Thr2896Ile). This variant is not present in population databases (gnomAD no frequency). In summary, the available evidence is currently insufficient to determine the role of this variant in disease. Therefore, it has been classified as a Variant of Uncertain Significance. This variant is located in the I band of TTN (PMID: 25589632). Variants in this region may be clinically relevant, but have not been definitively shown to cause cardiomyopathy or neuromuscular disease (PMID: 27493940, 32778822). Experimental studies have shown that this missense change affects TTN function (PMID: 21810661, 23297410). Algorithms developed to predict the effect of variants on protein structure and function are not available or were not evaluated for this variant. ClinVar contains an entry for this variant (Variation ID: 449405). This missense change has been observed in individual(s) with arrhythmogenic right ventricular cardiomyopathy/dysplasia (ARVC/D) (PMID: 21810661). It has also been observed to segregate with disease in related individuals.

GeneDx
Classification: Uncertain significance. Last evaluated: 2022-12-29. Review status: criteria provided, single submitter. Criteria: GeneDx Variant Classification Process June 2021. Collection method: clinical testing. Allele origin: germline. Affected: yes.
Comment: Not observed at significant frequency in large population cohorts (gnomAD); Published functional studies suggest that this variant negatively impacts protein folding (PMID: 23297410); however, the actual effect of this sequence change is unknown; Missense variant in a gene in which most reported pathogenic variants are truncating/loss of function; The p.(T2896I) variant has been reported to segregate with ARVC in multiple members of one family (PMID: 21810661); This variant is associated with the following publications: (PMID: 27683155, 25157032, 24980681, 33530662, 21810661, 31402444, 31028357, 33831308, 32927679, 32466575, 33429969, 23297410)

Literature cited by the submitters: PubMed 25589632 (cited by Labcorp Genetics (formerly Invitae), Labcorp); PubMed 27493940 (cited by Labcorp Genetics (formerly Invitae), Labcorp); PubMed 32778822 (cited by Labcorp Genetics (formerly Invitae), Labcorp); PubMed 21810661 (cited by Labcorp Genetics (formerly Invitae), Labcorp); PubMed 23297410 (cited by Labcorp Genetics (formerly Invitae), Labcorp).

NM_001267550.2(TTN):c.8687C>T (p.Thr2896Ile)

Gene: TTN (titin; minus strand). Cytogenetic location: 2q31.2.
Variant type: single nucleotide variant.
Coding change: c.8687C>T on transcript NM_001267550.2 (MANE Select); coding-DNA position 8687, C replaced by T.
Protein change: p.Thr2896Ile; replaces threonine 2896 with isoleucine.
Molecular consequence: missense variant.
Genome position (GRCh38, 1-based): chr2:178,769,894, G>A on the plus strand (C>T on the coding strand, the complement: TTN is on the minus strand). VCF-style: chr2-178769894-G-A. GRCh37 (hg19) VCF-style: chr2-179634621-G-A.
Other names: c.8687C>T, p.Thr2896Ile (NM_001256850.1, NM_133378.4, NM_133379.5); c.8549C>T, p.Thr2850Ile (NM_003319.4, NM_133432.3, NM_133437.4); c.8687C>T (NM_001267550.1); short protein forms T2896I, T2850I.
Identifiers: ClinVar variation 449405 (VCV000449405.11), dbSNP rs72647884, ClinGen allele CA61003425.